The following is an entry in ClinVar:

ClinVar aggregate classification (germline): Uncertain significance. Review status: criteria provided, multiple submitters, no conflicts (2 of 4 stars). 2 submissions from 2 submitters: Uncertain significance (2). Last evaluated 2023-06-05.

Conditions:
Fanconi anemia (FA). Also called: Fanconi's anemia. Identifiers: Orphanet 84, MedGen C0015625, MeSH D005199, MONDO:0019391.
Inborn genetic diseases. Identifiers: MedGen C0950123, MeSH D030342.

Submissions (2):

Ambry Genetics
Classification: Uncertain significance for Inborn genetic diseases. Last evaluated: 2023-06-05. Review status: criteria provided, single submitter. Criteria: Ambry Variant Classification Scheme 2023. Collection method: clinical testing. Allele origin: germline.

Labcorp Genetics (formerly Invitae), Labcorp
Classification: Uncertain significance for Fanconi anemia. Last evaluated: 2022-08-09. Review status: criteria provided, single submitter. Criteria: Invitae Variant Classification Sherloc (09022015). Collection method: clinical testing. Allele origin: germline.
Comment: This variant has not been reported in the literature in individuals affected with FANCM-related conditions. This sequence change replaces threonine, which is neutral and polar, with alanine, which is neutral and non-polar, at codon 1818 of the FANCM protein (p.Thr1818Ala). This variant is not present in population databases (gnomAD no frequency). Algorithms developed to predict the effect of missense changes on protein structure and function output the following: SIFT: "Tolerated"; PolyPhen-2: "Benign"; Align-GVGD: "Class C0". The alanine amino acid residue is found in multiple mammalian species, which suggests that this missense change does not adversely affect protein function. In summary, the available evidence is currently insufficient to determine the role of this variant in disease. Therefore, it has been classified as a Variant of Uncertain Significance.

NM_020937.4(FANCM):c.5452A>G (p.Thr1818Ala)

Gene: FANCM (FA complementation group M; plus strand). Cytogenetic location: 14q21.2.
Variant type: single nucleotide variant.
Coding change: c.5452A>G on transcript NM_020937.4 (MANE Select); coding-DNA position 5452, A replaced by G.
Protein change: p.Thr1818Ala; replaces threonine 1818 with alanine.
Molecular consequence: missense variant.
Genome position (GRCh38, 1-based): chr14:45,196,283, A>G. VCF-style: chr14-45196283-A-G. GRCh37 (hg19) VCF-style: chr14-45665486-A-G.
Other names: c.5374A>G, p.Thr1792Ala (NM_001308133.2); short protein forms T1792A, T1818A.
Identifiers: ClinVar variation 1715900 (VCV001715900.7), dbSNP rs2503269614, ClinGen allele CA389585888.